The following is an entry in ClinVar:

ClinVar aggregate classification (germline): Uncertain significance (1 of 4 stars; one submission).

Allele frequency attached by ClinVar (database versions not stated): gnomAD exomes 0.00003.
gnomAD v4.1: 36 of 1,614,070 alleles (0.0022%); highest among the groups gnomAD compares: Non-Finnish European, 0.0031%; no homozygotes.

Submission:

Labcorp Genetics (formerly Invitae), Labcorp
Classification: Uncertain significance. Last evaluated: 2024-11-24. Review status: criteria provided, single submitter. Criteria: Invitae Variant Classification Sherloc (09022015). Collection method: clinical testing. Allele origin: germline.
Comment: This sequence change replaces asparagine, which is neutral and polar, with serine, which is neutral and polar, at codon 763 of the NFKB1 protein (p.Asn763Ser). This variant is present in population databases (rs754058922, gnomAD 0.002%). This variant has not been reported in the literature in individuals affected with NFKB1-related conditions. ClinVar contains an entry for this variant (Variation ID: 2046619). Invitae Evidence Modeling of protein sequence and biophysical properties (such as structural, functional, and spatial information, amino acid conservation, physicochemical variation, residue mobility, and thermodynamic stability) indicates that this missense variant is not expected to disrupt NFKB1 protein function with a negative predictive value of 80%. In summary, the available evidence is currently insufficient to determine the role of this variant in disease. Therefore, it has been classified as a Variant of Uncertain Significance.

NM_003998.4(NFKB1):c.2288A>G (p.Asn763Ser)

Gene: NFKB1 (nuclear factor kappa B subunit 1; plus strand). Cytogenetic location: 4q24.
Variant type: single nucleotide variant.
Coding change: c.2288A>G on transcript NM_003998.4 (MANE Select); coding-DNA position 2288, A replaced by G.
Protein change: p.Asn763Ser; replaces asparagine 763 with serine.
Molecular consequence: missense variant.
Genome position (GRCh38, 1-based): chr4:102,610,635, A>G. VCF-style: chr4-102610635-A-G. GRCh37 (hg19) VCF-style: chr4-103531792-A-G.
Other names: c.2288A>G, p.Asn763Ser (NM_001382625.1, NM_001382626.1); c.2285A>G, p.Asn762Ser (NM_001382627.1, NM_001165412.2, NM_001319226.2); c.2246A>G, p.Asn749Ser (NM_001382628.1); short protein forms N749S, N762S, N763S.
Identifiers: ClinVar variation 2046619 (VCV002046619.4), dbSNP rs754058922, ClinGen allele CA102688805.
Genomic context (GRCh38, chr4:102,610,635, plus strand): 5'-GAGCAGATCCCCTGGTGGAGAACTTTGAGCCTCTCTATGACCTGGATGACTCTTGGGAAA[A>G]TGCAGGAGAGGATGAAGGAGTTGTGCCTGGAACCACGCCTCTAGATATGGCCACCAGCTG-3'
Protein context (NP_003989.2, residues 753-773): PLYDLDDSWE[Asn763Ser]AGEDEGVVPG